The following is an entry in ClinVar:

ClinVar aggregate classification (germline): Uncertain significance. Review status: criteria provided, multiple submitters, no conflicts (2 of 4 stars). 2 submissions from 2 submitters: Uncertain significance (2). Last evaluated 2024-08-17.

Allele frequency attached by ClinVar (database versions not stated): gnomAD exomes below 0.00001.
gnomAD v4.1: 5 of 1,613,678 alleles (0.00031%); highest among the groups gnomAD compares: African/African-American, 0.0027%; no homozygotes.

Submissions (2):

GeneDx
Classification: Uncertain significance. Last evaluated: 2024-08-17. Review status: criteria provided, single submitter. Criteria: GeneDx Variant Classification Process June 2021. Collection method: clinical testing. Allele origin: germline. Affected: yes.
Comment: Not observed at significant frequency in large population cohorts (gnomAD); In silico analysis supports that this missense variant has a deleterious effect on protein structure/function; Has not been previously published as pathogenic or benign to our knowledge

Greenwood Genetic Center Diagnostic Laboratories, Greenwood Genetic Center
Classification: Uncertain significance. Last evaluated: 2022-09-20. Review status: criteria provided, single submitter. Criteria: ACMG Guidelines, 2015. Collection method: clinical testing. Allele origin: germline. Affected: yes.
Comment: PM2, PP3

NM_003931.3(WASF1):c.1613G>A (p.Arg538His)

Gene: WASF1 (WASP family member 1; minus strand). Cytogenetic location: 6q21.
Variant type: single nucleotide variant.
Coding change: c.1613G>A on transcript NM_003931.3 (MANE Select); coding-DNA position 1613, G replaced by A.
Protein change: p.Arg538His; replaces arginine 538 with histidine.
Molecular consequence: missense variant.
Genome position (GRCh38, 1-based): chr6:110,100,589, C>T on the plus strand (G>A on the coding strand, the complement: WASF1 is on the minus strand). VCF-style: chr6-110100589-C-T. GRCh37 (hg19) VCF-style: chr6-110421792-C-T.
Other names: c.1613G>A, p.Arg538His (NM_001024934.2, NM_001024935.2, NM_001024936.2); c.1613G>A (NM_003931.2); short protein forms R538H.
Identifiers: ClinVar variation 1710406 (VCV001710406.4), dbSNP rs761475884, ClinGen allele CA145793612.
Genomic context (GRCh38, chr6:110,100,589, plus strand): 5'-AACCAATCTACTTCATCAAATTCTGAATCATCTTCCGAATCACTATATTCAACAGCAATA[C>T]GGCGAGACAGGATGGTGGCAACATCGTTTTCAATGCGTTCATGCTTAGCTTCCTGTTCAC-3'
Protein context (NP_003922.1, residues 528-548): ENDVATILSR[Arg538His]IAVEYSDSED